The following is an entry in ClinVar:

ClinVar aggregate classification (germline): Uncertain significance (1 of 4 stars; one submission).

Conditions:
Familial adenomatous polyposis 1 (FAP1). Also called: FAMILIAL ADENOMATOUS POLYPOSIS 1, ATTENUATED; POLYPOSIS, ADENOMATOUS INTESTINAL. Identifiers: MedGen C2713442, MONDO:0021056, OMIM 175100. Disease mechanism: loss of function.

Submission:

Labcorp Genetics (formerly Invitae), Labcorp
Classification: Uncertain significance for Familial adenomatous polyposis 1. Last evaluated: 2021-12-12. Review status: criteria provided, single submitter. Criteria: Invitae Variant Classification Sherloc (09022015). Collection method: clinical testing. Allele origin: germline.
Comment: This sequence change replaces glutamic acid, which is acidic and polar, with aspartic acid, which is acidic and polar, at codon 418 of the APC protein (p.Glu418Asp). This variant is not present in population databases (gnomAD no frequency). This variant has not been reported in the literature in individuals affected with APC-related conditions. Algorithms developed to predict the effect of missense changes on protein structure and function (SIFT, PolyPhen-2, Align-GVGD) all suggest that this variant is likely to be tolerated. In summary, the available evidence is currently insufficient to determine the role of this variant in disease. Therefore, it has been classified as a Variant of Uncertain Significance.

NM_000038.6(APC):c.1254A>T (p.Glu418Asp)

Gene: APC (APC regulator of Wnt signaling pathway; plus strand). Cytogenetic location: 5q22.2.
Variant type: single nucleotide variant.
Coding change: c.1254A>T on transcript NM_000038.6 (MANE Select); coding-DNA position 1254, A replaced by T.
Protein change: p.Glu418Asp; replaces glutamic acid 418 with aspartic acid.
Molecular consequence: missense variant.
Genome position (GRCh38, 1-based): chr5:112,819,286, A>T. VCF-style: chr5-112819286-A-T. GRCh37 (hg19) VCF-style: chr5-112154983-A-T.
Other names: c.1254A>T, p.Glu418Asp (NM_001127510.3, NM_001354895.2, NM_001354896.2); c.1200A>T, p.Glu400Asp (NM_001127511.3); c.1284A>T, p.Glu428Asp (NM_001354897.2); c.1179A>T, p.Glu393Asp (NM_001354898.2); c.1170A>T, p.Glu390Asp (NM_001354899.2); c.1077A>T, p.Glu359Asp (NM_001354900.2, NM_001354901.2); c.981A>T, p.Glu327Asp (NM_001354902.2); c.951A>T, p.Glu317Asp (NM_001354903.2); and 3 more; short protein forms E428D, E135D, E390D, E418D, E292D, E317D, E393D, E400D.
Identifiers: ClinVar variation 1477649 (VCV001477649.6), dbSNP rs2149783291, ClinGen allele CA16024047.